The following is an entry in ClinVar:

NM_014339.7(IL17RA):c.2071G>A (p.Ala691Thr)

Gene: IL17RA (interleukin 17 receptor A; plus strand). Cytogenetic location: 22q11.1.
Variant type: single nucleotide variant.
Coding change: c.2071G>A on transcript NM_014339.7 (MANE Select); coding-DNA position 2071, G replaced by A.
Protein change: p.Ala691Thr; replaces alanine 691 with threonine.
Molecular consequence: missense variant.
Genome position (GRCh38, 1-based): chr22:17,109,290, G>A. VCF-style: chr22-17109290-G-A. GRCh37 (hg19) VCF-style: chr22-17590180-G-A.
Other names: p.Ala691Thr; c.1969G>A, p.Ala657Thr (NM_001289905.2); short protein forms A691T, A657T.
Identifiers: ClinVar variation 340606 (VCV000340606.17), dbSNP rs41323645, ClinGen allele CA10086895.
Genomic context (GRCh38, chr22:17,109,290, plus strand): 5'-GCCGCAGAGGAGGGGGCCCTGGTGGCCGCGGTGGAGCCTGGGCCCCTGGCTGACGGTGCC[G>A]CAGTCCGGCTGGCACTGGCGGGGGAGGGCGAGGCCTGCCCGCTGCTGGGCAGCCCGGGCG-3'
Protein context (NP_055154.3, residues 681-701): VEPGPLADGA[Ala691Thr]VRLALAGEGE

ClinVar aggregate classification (germline): Benign. Review status: criteria provided, multiple submitters, no conflicts (2 of 4 stars). 4 submissions from 4 submitters: Benign (4). Last evaluated 2026-02-04.

Conditions:
Immunodeficiency 51 (IMD51). Also called: CANDIDIASIS, FAMILIAL, 5. Identifiers: Orphanet 1334, MedGen C4310803, MONDO:0013500, OMIM 613953.

Allele frequency attached by ClinVar (database versions not stated): gnomAD exomes 0.10160; 1000 Genomes Project 0.11382; 1000 Genomes Project 30x 0.11618; ESP Exome Variant Server 0.12817; gnomAD 0.13344 and 0.13701; TOPMed 0.13744; ExAC 0.30231.

Submissions (4):

Labcorp Genetics (formerly Invitae), Labcorp
Classification: Benign for Immunodeficiency 51. Last evaluated: 2026-02-04. Review status: criteria provided, single submitter. Criteria: Invitae Variant Classification Sherloc (09022015). Collection method: clinical testing. Allele origin: germline.

Unidad de Genómica Garrahan, Hospital de Pediatría Garrahan
Classification: Benign. Last evaluated: 2024-01-24. Review status: criteria provided, single submitter. Criteria: ACMG Guidelines, 2015. Collection method: clinical testing. Allele origin: germline. Affected: no. Observed: 21 variant alleles.
Comment: This variant is classified as Benign based on local population frequency. This variant was detected in 22% of patients studied by a panel of primary immunodeficiencies. Number of patients: 21. Only high quality variants are reported.

Mayo Clinic Laboratories, Mayo Clinic
Classification: Benign. Last evaluated: 2022-09-06. Review status: criteria provided, single submitter. Criteria: ACMG Guidelines, 2015. Collection method: clinical testing. Allele origin: germline. Observed: 24 variant alleles.

Breakthrough Genomics
Classification: Benign. Review status: criteria provided, single submitter. Criteria: ACMG Guidelines, 2015. Collection method: not provided. Allele origin: germline. Inheritance: Autosomal recessive inheritance. Affected: yes.